The following is an entry in ClinVar:

NM_004958.4(MTOR):c.5123C>T (p.Ala1708Val)

Gene: MTOR (mechanistic target of rapamycin kinase; minus strand). Cytogenetic location: 1p36.22.
Variant type: single nucleotide variant.
Coding change: c.5123C>T on transcript NM_004958.4 (MANE Select); coding-DNA position 5123, C replaced by T.
Protein change: p.Ala1708Val; replaces alanine 1708 with valine.
Molecular consequence: missense variant.
Genome position (GRCh38, 1-based): chr1:11,139,311, G>A on the plus strand (C>T on the coding strand, the complement: MTOR is on the minus strand). VCF-style: chr1-11139311-G-A. GRCh37 (hg19) VCF-style: chr1-11199368-G-A.
Other names: c.5123C>T, p.Ala1708Val (NM_001386500.1); c.3875C>T, p.Ala1292Val (NM_001386501.1); short protein forms A1708V, A1292V.
Identifiers: ClinVar variation 1466647 (VCV001466647.8), dbSNP rs761298829, ClinGen allele CA589452.

ClinVar aggregate classification (germline): Uncertain significance (1 of 4 stars; one submission).

Allele frequency attached by ClinVar (database versions not stated): gnomAD exomes below 0.00001; ExAC 0.00001.
gnomAD v4.1: 3 of 1,605,374 alleles (0.00019%); highest among the groups gnomAD compares: South Asian, 0.0033%; no homozygotes.

Submission:

Labcorp Genetics (formerly Invitae), Labcorp
Classification: Uncertain significance. Last evaluated: 2025-06-09. Review status: criteria provided, single submitter. Criteria: Invitae Variant Classification Sherloc (09022015). Collection method: clinical testing. Allele origin: germline.
Comment: This sequence change replaces alanine, which is neutral and non-polar, with valine, which is neutral and non-polar, at codon 1708 of the MTOR protein (p.Ala1708Val). This variant is present in population databases (rs761298829, gnomAD 0.003%). This variant has not been reported in the literature in individuals affected with MTOR-related conditions. ClinVar contains an entry for this variant (Variation ID: 1466647). Invitae Evidence Modeling of protein sequence and biophysical properties (such as structural, functional, and spatial information, amino acid conservation, physicochemical variation, residue mobility, and thermodynamic stability) indicates that this missense variant is not expected to disrupt MTOR protein function with a negative predictive value of 95%. In summary, the available evidence is currently insufficient to determine the role of this variant in disease. Therefore, it has been classified as a Variant of Uncertain Significance.